The following is an entry in ClinVar:

NM_206926.2(SELENON):c.363G>A (p.Thr121=)

Gene: SELENON (selenoprotein N; plus strand). Cytogenetic location: 1p36.11.
Variant type: single nucleotide variant.
Coding change: c.363G>A on transcript NM_206926.2 (MANE Select); coding-DNA position 363, G replaced by A.
Protein change: p.Thr121=; no amino-acid change (threonine 121 retained).
Molecular consequence: synonymous variant.
Genome position (GRCh38, 1-based): chr1:25,805,203, G>A. VCF-style: chr1-25805203-G-A. GRCh37 (hg19) VCF-style: chr1-26131694-G-A.
Other names: c.465G>A, p.Thr155= (NM_020451.3).
Identifiers: ClinVar variation 261283 (VCV000261283.58), dbSNP rs753774853, ClinGen allele CA696511.

ClinVar aggregate classification (germline): Conflicting classifications of pathogenicity. Review status: criteria provided, conflicting classifications (1 of 4 stars). 5 submissions from 5 submitters: Uncertain significance (1); Likely benign (4). Last evaluated 2026-01-20.

Conditions:
Eichsfeld type congenital muscular dystrophy (CMYO3). Also called: MYOPATHY, SEPN1-RELATED; SELENON-related myopathy; Congenital myopathy 3 with rigid spine; Rigid spine muscular dystrophy 1. Identifiers: MedGen C0410180, MONDO:0100100, OMIM 602771.

Allele frequency attached by ClinVar (database versions not stated): gnomAD exomes 0.00004; gnomAD 0.00005 and 0.00006; ExAC 0.00007; TOPMed 0.00016.
gnomAD v4.1: 79 of 1,614,014 alleles (0.0049%); highest among the groups gnomAD compares: Middle Eastern, 0.082%; 1 homozygote.

Submissions (5):

Labcorp Genetics (formerly Invitae), Labcorp
Classification: Likely benign for Eichsfeld type congenital muscular dystrophy. Last evaluated: 2026-01-20. Review status: criteria provided, single submitter. Criteria: Invitae Variant Classification Sherloc (09022015). Collection method: clinical testing. Allele origin: germline.

Blueprint Genetics
Classification: Likely benign. Last evaluated: 2024-10-24. Review status: criteria provided, single submitter. Criteria: ACMG Guidelines, 2015. Collection method: clinical testing. Allele origin: germline.

CeGaT Center for Human Genetics Tuebingen
Classification: Likely benign. Last evaluated: 2024-09-01. Review status: criteria provided, single submitter. Criteria: CeGaT Center For Human Genetics Tuebingen Variant Classification Criteria Version 2. Collection method: clinical testing. Allele origin: germline. Affected: yes. Observed: 2 variant alleles.
Comment: SELENON: BP4, BP7

Eurofins Ntd Llc (ga)
Classification: Uncertain significance. Last evaluated: 2016-02-18. Review status: criteria provided, single submitter. Criteria: EGL Classification Definitions 2015. Collection method: clinical testing. Allele origin: germline. Observed: 1 variant allele, 1 heterozygote.

PreventionGenetics, part of Exact Sciences
Classification: Likely benign. Review status: criteria provided, single submitter. Criteria: ACMG Guidelines, 2015. Collection method: clinical testing. Allele origin: germline.